The following is an entry in ClinVar:

ClinVar aggregate classification (germline): Benign. Review status: criteria provided, single submitter (1 of 4 stars). 2 submissions from 2 submitters: Benign (1). 1 of the submissions does not count toward it. Last evaluated 2024-05-29.

Conditions:
PHF6-related disorder. Also called: PHF6-related condition.
Borjeson-Forssman-Lehmann syndrome (BFLS). Also called: BORJESON SYNDROME; MENTAL RETARDATION, X-LINKED, SYNDROMIC, BORJESON-FORSSMAN-LEHMANN TYPE; MENTAL RETARDATION, EPILEPSY, AND ENDOCRINE DISORDERS. Identifiers: Orphanet 127, MedGen C0265339, MONDO:0010537, OMIM 301900.

Allele frequency attached by ClinVar (database versions not stated): ExAC 0.00002; gnomAD 0.00003; TOPMed 0.00004; gnomAD exomes 0.00007.
gnomAD v4.1: 81 of 1,206,963 alleles (0.0067%); highest among the groups gnomAD compares: Non-Finnish European, 0.0086%; no homozygotes.

Submissions (2):

Labcorp Genetics (formerly Invitae), Labcorp
Classification: Benign for Borjeson-Forssman-Lehmann syndrome. Last evaluated: 2024-05-29. Review status: criteria provided, single submitter. Criteria: Invitae Variant Classification Sherloc (09022015). Collection method: clinical testing. Allele origin: germline.

PreventionGenetics, part of Exact Sciences
Classification: Likely benign for PHF6-related condition. Last evaluated: 2021-10-05. Review status: no assertion criteria provided. Collection method: clinical testing. Allele origin: germline. Not counted in ClinVar's aggregate classification.
Comment: This variant is classified as likely benign based on ACMG/AMP sequence variant interpretation guidelines (Richards et al. 2015 PMID: 25741868, with internal and published modifications).

NM_001015877.2(PHF6):c.888C>G (p.Ala296=)

Gene: PHF6 (PHD finger protein 6; plus strand). Cytogenetic location: Xq26.2.
Variant type: single nucleotide variant.
Coding change: c.888C>G on transcript NM_001015877.2 (MANE Select); coding-DNA position 888, C replaced by G.
Protein change: p.Ala296=; no amino-acid change (alanine 296 retained).
Molecular consequence: synonymous variant.
Genome position (GRCh38, 1-based): chrX:134,417,222, C>G. VCF-style: chrX-134417222-C-G. GRCh37 (hg19) VCF-style: chrX-133551252-C-G.
Other names: c.888C>G, p.Ala296= (NM_032458.3).
Identifiers: ClinVar variation 3047596 (VCV003047596.4), dbSNP rs751710275, ClinGen allele CA10521288.
Genomic context (GRCh38, chrX:134,417,222, plus strand): 5'-TATACAGAAATGTACACTTTGCAGTCAGCCTGGTGCTACTATTGGATGTGAAATAAAAGC[C>G]TGTGTTAAGACTTACCATTACCACTGTGGAGTACAAGACAAAGCTAAATACATTGAAAAT-3'
Protein context (NP_001015877.1, residues 286-306): PGATIGCEIK[Ala296=]CVKTYHYHCG